The following is an entry in ClinVar:

NM_000135.4(FANCA):c.709+5G>T

Gene: FANCA (FA complementation group A; minus strand). Cytogenetic location: 16q24.3.
Variant type: single nucleotide variant.
Coding change: c.709+5G>T on transcript NM_000135.4 (MANE Select); 5 bases into the intron after coding-DNA position 709, G replaced by T.
Molecular consequence: intron variant.
Genome position (GRCh38, 1-based): chr16:89,805,275, C>A on the plus strand (G>T on the coding strand, the complement: FANCA is on the minus strand). VCF-style: chr16-89805275-C-A. GRCh37 (hg19) VCF-style: chr16-89871683-C-A.
Other names: c.709+5G>T (NM_001286167.3, NM_001018112.3, LRG_495t1); c.613+5G>T (NM_001351830.2).
Identifiers: ClinVar variation 237056 (VCV000237056.10), dbSNP rs759877008, ClinGen allele CA10583443.

ClinVar aggregate classification (germline): Pathogenic/Likely pathogenic. Review status: criteria provided, multiple submitters, no conflicts (2 of 4 stars). 4 submissions from 4 submitters: Pathogenic (1); Likely pathogenic (2). 1 of the submissions does not count toward it. Last evaluated 2025-09-10.

Conditions:
Fanconi anemia (FA). Also called: Fanconi's anemia. Identifiers: Orphanet 84, MedGen C0015625, MeSH D005199, MONDO:0019391.
Fanconi anemia complementation group A (FANCA). Also called: FANCA-Related Fanconi Anemia; Fanconi anemia, group A. Identifiers: Orphanet 84, MedGen C3469521, MONDO:0009215, OMIM 227650.

Submissions (4):

Women's Health and Genetics/Laboratory Corporation of America, LabCorp
Classification: Pathogenic for Fanconi anemia. Last evaluated: 2025-09-10. Review status: criteria provided, single submitter. Criteria: LabCorp Variant Classification Summary - May 2015. Collection method: clinical testing. Allele origin: germline.
Comment: Variant summary: FANCA c.709+5G>T alters a nucleotide located close to a canonical splice site and therefore could affect mRNA splicing, leading to a significantly altered protein sequence. Several computational tools predict a significant impact on normal splicing: Three predict the variant abolishes a 5' splicing donor site. One predict the variant weakens a 5' donor site. However, these predictions have yet to be confirmed by functional studies. The variant was absent in 279588 control chromosomes. c.709+5G>T has been observed in multiple homozygous and compound heterozygous individuals affected with Fanconi Anemia (Lo Ten Foe_1996, Castella_2011, Internal data). These data indicate that the variant is very likely to be associated with disease. To our knowledge, no experimental evidence demonstrating an impact on protein function has been reported. The following publications have been ascertained in the context of this evaluation (PMID: 21273304, 8896563, 10094191). ClinVar contains an entry for this variant (Variation ID: 237056). Based on the evidence outlined above, the variant was classified as pathogenic.

Baylor Genetics
Classification: Likely pathogenic for Fanconi anemia complementation group A. Last evaluated: 2022-07-20. Review status: criteria provided, single submitter. Criteria: ACMG Guidelines, 2015. Collection method: clinical testing. Allele origin: unknown.

Labcorp Genetics (formerly Invitae), Labcorp
Classification: Likely pathogenic for Fanconi anemia. Last evaluated: 2022-06-07. Review status: criteria provided, single submitter. Criteria: Invitae Variant Classification Sherloc (09022015). Collection method: clinical testing. Allele origin: germline.
Comment: This variant has been observed in individuals with Fanconi anemia (PMID: 8896563, 21273304; Invitae). This sequence change falls in intron 7 of the FANCA gene. It does not directly change the encoded amino acid sequence of the FANCA protein. RNA analysis indicates that this variant induces altered splicing and likely results in the gain of 10 amino acid residue(s), but is expected to preserve the integrity of the reading-frame. This variant is not present in population databases (gnomAD no frequency). This variant is also known as 740+5G>T. ClinVar contains an entry for this variant (Variation ID: 237056). Variants that disrupt the consensus splice site are a relatively common cause of aberrant splicing (PMID: 17576681, 9536098). Studies have shown that this variant results in the activation of a cryptic splice site in intron 7 (PMID: 8896563, 21273304). This variant disrupts the c.709+5G nucleotide in the FANCA gene. Other variant(s) that disrupt this nucleotide have been determined to be pathogenic (PMID: 8896563, 10094191, 19423727, 21273304; Invitae). This suggests that this nucleotide is clinically significant, and that variants that disrupt this position are likely to be disease-causing. In summary, the currently available evidence indicates that the variant is pathogenic, but additional data are needed to prove that conclusively. Therefore, this variant has been classified as Likely Pathogenic.

Leiden Open Variation Database
Classification: Pathogenic for Fanconi anemia complementation group A. Last evaluated: 2020-02-28. Review status: no assertion criteria provided. Collection method: curation. Allele origin: germline. Affected: yes. Not counted in ClinVar's aggregate classification.
Comment: Curator: Arleen D. Auerbach. Submitter to LOVD: Arleen D. Auerbach.

Literature cited by the submitters: PubMed 21273304 (cited by Women's Health and Genetics/Laboratory Corporation of America, LabCorp and Labcorp Genetics (formerly Invitae), Labcorp); PubMed 8896563 (cited by Women's Health and Genetics/Laboratory Corporation of America, LabCorp and Labcorp Genetics (formerly Invitae), Labcorp); PubMed 10094191 (cited by Women's Health and Genetics/Laboratory Corporation of America, LabCorp and Labcorp Genetics (formerly Invitae), Labcorp); PubMed 17576681 (cited by Labcorp Genetics (formerly Invitae), Labcorp); PubMed 9536098 (cited by Labcorp Genetics (formerly Invitae), Labcorp); PubMed 19423727 (cited by Labcorp Genetics (formerly Invitae), Labcorp); PubMed 08896563 (cited by Leiden Open Variation Database).